The following is an entry in ClinVar:

ClinVar aggregate classification (germline): Uncertain significance (1 of 4 stars; one submission).

Conditions:
Inborn genetic diseases. Identifiers: MedGen C0950123, MeSH D030342.

Submission:

Ambry Genetics
Classification: Uncertain significance for Inborn genetic diseases. Last evaluated: 2024-06-07. Review status: criteria provided, single submitter. Criteria: Ambry Variant Classification Scheme 2023. Collection method: clinical testing. Allele origin: germline.
Comment: The c.507G>T (p.K169N) alteration is located in exon 4 (coding exon 3) of the PPFIA3 gene. This alteration results from a G to T substitution at nucleotide position 507, causing the lysine (K) at amino acid position 169 to be replaced by an asparagine (N). This variant was not reported in population-based cohorts in the Genome Aggregation Database (gnomAD). This nucleotide position and this amino acid position are highly conserved in available vertebrate species. This alteration is predicted to be tolerated by in silico analysis, and in silico splice site analysis predicts that this alteration will not have any significant effect on splicing. Based on insufficient or conflicting evidence, the clinical significance of this alteration remains unclear.

NM_003660.4(PPFIA3):c.507G>T (p.Lys169Asn)

Gene: PPFIA3 (PTPRF interacting protein alpha 3; plus strand). Cytogenetic location: 19q13.33.
Variant type: single nucleotide variant.
Coding change: c.507G>T on transcript NM_003660.4 (MANE Select); coding-DNA position 507, G replaced by T.
Protein change: p.Lys169Asn; replaces lysine 169 with asparagine.
Molecular consequence: missense variant. On other transcripts: non-coding transcript variant (1).
Genome position (GRCh38, 1-based): chr19:49,129,012, G>T. VCF-style: chr19-49129012-G-T. GRCh37 (hg19) VCF-style: chr19-49632269-G-T.
Other names: short protein forms K169N.
Identifiers: ClinVar variation 3309133 (VCV003309133.1).
Genomic context (GRCh38, chr19:49,129,012, plus strand): 5'-GGTAGAAGTGCTCAAAGCTCTAAAGTCTCTCTTCGAGCACCACAAGGCCCTGGATGAGAA[G>T]GTATGAGAATTAGAAGAGCAGGGGTGGAGAATGGAAACCTATAGTTGACTGGGGCTGTTC-3'
Protein context (NP_003651.1, residues 159-179): LFEHHKALDE[Lys169Asn]VRERLRMALE